The following is an entry in ClinVar:

NM_001267550.2(TTN):c.106928_106932del (p.Val35643fs)

Genes: TTN (titin; minus strand), TTN-AS1 (TTN antisense RNA 1; plus strand). Cytogenetic location: 2q31.2.
Variant type: Deletion.
Coding change: c.106928_106932del on transcript NM_001267550.2 (MANE Select); coding-DNA positions 106928 to 106932, 5 bases deleted (TAGAG; older notation c.106928_106932delTAGAG).
Protein change: p.Val35643fs; shifts the reading frame from valine 35643.
Molecular consequence: frameshift variant.
Genome position (GRCh38, 1-based): chr2:178,528,819-178,528,823, CTCTA deleted on the plus strand (TAGAG on the coding strand, the reverse complement: TTN is on the minus strand); deleting any 5 consecutive bases within chr2:178,528,819-178,528,824 gives the same sequence; the c. name uses the placement nearest the transcript's 3' end. VCF-style (leftmost placement, unchanged base first): chr2-178528818-GCTCTA-G. GRCh37 (hg19) VCF-style: chr2-179393545-GCTCTA-G.
Other names: c.102005_102009del, p.Val34002fs (NM_001256850.1); c.79733_79737del, p.Val26578fs (NM_003319.4); c.99224_99228del, p.Val33075fs (NM_133378.4); c.80108_80112del, p.Val26703fs (NM_133432.3); c.80309_80313del, p.Val26770fs (NM_133437.4); short protein forms V26578fs, V26703fs, V26770fs, V33075fs, V34002fs, V35643fs.
Identifiers: ClinVar variation 2627915 (VCV002627915.1), dbSNP rs2468301569, ClinGen allele CA2586963962.
Genomic context (GRCh38, chr2:178,528,818, plus strand): 5'-TGATGGTTAGGGTCTGATCGCTGCCTGAGACACCATATCGGTACTCCTCAGAGTTGGTAA[GCTCTA>G]CGCCATTCAGTACCCATTTCACATCAGTGGCACCAGCAATGTTGGCTTTTAAAACCAGTC-3'

ClinVar aggregate classification (germline): Likely pathogenic (1 of 4 stars; one submission).

Conditions:
Dilated cardiomyopathy 1G (CMD1G). Identifiers: Orphanet 154, MedGen C1858763, MONDO:0011400, OMIM 604145.

Submission:

Illumina Laboratory Services, Illumina
Classification: Likely pathogenic for Dilated cardiomyopathy 1G. Last evaluated: 2023-05-25. Review status: criteria provided, single submitter. Criteria: ICSLVariantClassificationCriteria RUGD 01 April 2020. Collection method: clinical testing. Allele origin: unknown.
Comment: The TTN c.106928_106932del (p.Val35643AlafsTer5) variant causes a shift in the protein reading frame that is predicted to result in premature termination of the protein. Loss of normal protein function through either protein truncation or nonsense-mediated mRNA decay is expected. This variant is located in exon 360 of the meta transcript of titin and within the M-line, which is highly expressed in cardiac tissue (PMID: 25589632). In a meta-analysis of TTN truncating variants in DCM patients and controls, variants in this region were associated with a significantly increased risk of developing DCM (odds ratio 3.7) (PMID: 27869827). To our knowledge, this variant has not been reported in the peer-reviewed literature. It is also not observed in version 2.1.1 or version 3.1.2 of the Genome Aggregation Database. Based on the available evidence, the c.106928_106932del (p.Val35643AlafsTer5) variant is classified as likely pathogenic for dilated cardiomyopathy.